The following is an entry in ClinVar:

NM_001083962.2(TCF4):c.1070-2A>G

Gene: TCF4 (transcription factor 4; minus strand). Cytogenetic location: 18q21.2.
Variant type: single nucleotide variant.
Coding change: c.1070-2A>G on transcript NM_001083962.2 (MANE Select); the canonical splice acceptor site of the intron before coding-DNA position 1070, A replaced by G.
Molecular consequence: splice acceptor variant. On other transcripts: intron variant (7).
Genome position (GRCh38, 1-based): chr18:55,257,393, T>C on the plus strand (A>G on the coding strand, the complement: TCF4 is on the minus strand). VCF-style: chr18-55257393-T-C. GRCh37 (hg19) VCF-style: chr18-52924624-T-C.
Other names: c.1376-2A>G (NM_001243226.3); c.995-2A>G (NM_001369584.1, NM_001369576.1, NM_001369585.1 and 3 more transcripts); c.998-5A>G (NM_001369577.1, NM_001369579.1, NM_001369580.1); c.998-2A>G (NM_001369582.1, NM_001243227.2, NM_001369583.1 and 5 more transcripts); c.1001-2A>G (NM_001369586.1); c.1070-2A>G (NM_001369571.1, NM_001369567.1, NM_001369572.1 and 2 more transcripts); c.1088-2A>G (NM_001243228.2); c.1064-5A>G (NM_001243230.2); and 8 more.
Identifiers: ClinVar variation 1783155 (VCV001783155.2), dbSNP rs2512181056, ClinGen allele CA402534472.

ClinVar aggregate classification (germline): Uncertain significance (1 of 4 stars; one submission).

Conditions:
Inborn genetic diseases. Identifiers: MedGen C0950123, MeSH D030342.

Submission:

Ambry Genetics
Classification: Uncertain significance for Inborn genetic diseases. Last evaluated: 2017-12-06. Review status: criteria provided, single submitter. Criteria: Ambry Variant Classification Scheme 2023. Collection method: clinical testing. Allele origin: germline.
Comment: The c.1070-2A>G intronic variant results from an A to G substitution two nucleotides upstream from exon 14 in the TCF4 gene. This nucleotide position is well conserved in available vertebrate species. Using four different splice site prediction tools, this alteration is predicted by ESEfinder, HSF, and MaxEnt to abolish and/or weaken the native splice acceptor site, but is not predicted to have a deleterious effect on this splice acceptor site by BDGP; however, direct evidence is unavailable. Since supporting evidence is limited at this time, the clinical significance of this alteration remains unclear.